The following is an entry in ClinVar:

NM_153676.4(USH1C):c.105-2A>G

Gene: USH1C (USH1 protein network component harmonin; minus strand). Cytogenetic location: 11p15.1.
Variant type: single nucleotide variant.
Coding change: c.105-2A>G on transcript NM_153676.4 (MANE Select); the canonical splice acceptor site of the intron before coding-DNA position 105, A replaced by G.
Molecular consequence: splice acceptor variant.
Genome position (GRCh38, 1-based): chr11:17,531,544, T>C on the plus strand (A>G on the coding strand, the complement: USH1C is on the minus strand). VCF-style: chr11-17531544-T-C. GRCh37 (hg19) VCF-style: chr11-17553091-T-C.
Other names: c.105-2A>G (NM_001297764.2, NM_005709.4, NM_153676.3).
Identifiers: ClinVar variation 2579696 (VCV002579696.2), dbSNP rs1850985627, ClinGen allele CA379798967.

ClinVar aggregate classification (germline): Pathogenic/Likely pathogenic. Review status: criteria provided, multiple submitters, no conflicts (2 of 4 stars). 2 submissions from 2 submitters: Pathogenic (1); Likely pathogenic (1). Last evaluated 2024-01-06.

Conditions:
Autosomal recessive nonsyndromic hearing loss 18A. Also called: Deafness, autosomal recessive 18A; DEAFNESS, AUTOSOMAL RECESSIVE 18. Identifiers: Orphanet 90636, MedGen C1865870, MONDO:0011192, OMIM 602092.

Submissions (2):

Wonkam Laboratory, Johns Hopkins University
Classification: Pathogenic for Autosomal recessive nonsyndromic hearing loss 18A. Last evaluated: 2024-01-06. Review status: criteria provided, single submitter. Criteria: ACMG Guidelines, 2015. Collection method: research. Allele origin: germline. Inheritance: Autosomal recessive inheritance. Affected: yes. Observed: 4 variant alleles. Clinical features observed: Profound nonsyndromic hearing loss.
Comment: This variant USH1C c.105-2A>G (NM_153676.3) is a null variant canonical +- 2 splice sites, initiation codon, single or multiexon deletion) in a gene where LOF is a known mechanism of disease (PVS1), Absent from controls (or at extremely low frequency if recessive) in Exome Sequencing Project, 1000 Genomes Project, or Exome Aggregation Consortium (PM2), Multiple lines of computational evidence support a deleterious effect on the gene or gene product (conservation, evolutionary, splicing impact, etc.) (PP3)

Institute of Human Genetics, Cologne University
Classification: Likely pathogenic for Autosomal recessive nonsyndromic hearing loss 18A. Last evaluated: 2023-09-13. Review status: criteria provided, single submitter. Criteria: ACMG Guidelines, 2015. Collection method: clinical testing. Allele origin: germline. Affected: yes.